The following is an entry in ClinVar:

NM_004999.4(MYO6):c.1607C>T (p.Pro536Leu)

Gene: MYO6 (myosin VI; plus strand). Cytogenetic location: 6q14.1.
Variant type: single nucleotide variant.
Coding change: c.1607C>T on transcript NM_004999.4 (MANE Select); coding-DNA position 1607, C replaced by T.
Protein change: p.Pro536Leu; replaces proline 536 with leucine.
Molecular consequence: missense variant. On other transcripts: non-coding transcript variant (1).
Genome position (GRCh38, 1-based): chr6:75,862,656, C>T. VCF-style: chr6-75862656-C-T. GRCh37 (hg19) VCF-style: chr6-76572373-C-T.
Other names: c.1607C>T, p.Pro536Leu (NM_001300899.2, NM_001368136.1, NM_001368137.1 and 2 more transcripts); c.1592C>T, p.Pro531Leu (NM_001368138.1); short protein forms P531L, P536L.
Identifiers: ClinVar variation 1678016 (VCV001678016.5), dbSNP rs980820643, ClinGen allele CA141060686.

ClinVar aggregate classification (germline): Uncertain significance. Review status: criteria provided, multiple submitters, no conflicts (2 of 4 stars). 3 submissions from 3 submitters: Uncertain significance (3). Last evaluated 2023-01-10.

Conditions:
Autosomal dominant nonsyndromic hearing loss 22. Also called: Autosomal dominant nonsyndromic deafness 22; DFNA 22. Identifiers: Orphanet 228012, MedGen C2931767, MONDO:0011660, OMIM 606346.
Autosomal recessive nonsyndromic hearing loss 37. Identifiers: Orphanet 90636, MedGen C1843028, MONDO:0011912, OMIM 607821.

Allele frequency attached by ClinVar (database versions not stated): gnomAD exomes below 0.00001 and 0.00001; gnomAD 0.00003.
gnomAD v4.1: 13 of 1,613,806 alleles (0.00081%); highest among the groups gnomAD compares: African/African-American, 0.0013%; no homozygotes.

Submissions (3):

Labcorp Genetics (formerly Invitae), Labcorp
Classification: Uncertain significance. Last evaluated: 2023-01-10. Review status: criteria provided, single submitter. Criteria: Invitae Variant Classification Sherloc (09022015). Collection method: clinical testing. Allele origin: germline.
Comment: This variant has not been reported in the literature in individuals affected with MYO6-related conditions. This variant is present in population databases (no rsID available, gnomAD 0.0009%). This sequence change replaces proline, which is neutral and non-polar, with leucine, which is neutral and non-polar, at codon 536 of the MYO6 protein (p.Pro536Leu). ClinVar contains an entry for this variant (Variation ID: 1678016). In summary, the available evidence is currently insufficient to determine the role of this variant in disease. Therefore, it has been classified as a Variant of Uncertain Significance. Advanced modeling of protein sequence and biophysical properties (such as structural, functional, and spatial information, amino acid conservation, physicochemical variation, residue mobility, and thermodynamic stability) performed at Invitae indicates that this missense variant is expected to disrupt MYO6 protein function.

AiLife Diagnostics
Classification: Uncertain significance. Last evaluated: 2022-03-07. Review status: criteria provided, single submitter. Criteria: ACMG Guidelines, 2015. Collection method: clinical testing. Allele origin: germline. Affected: yes. Observed: 1 variant allele.

Fulgent Genetics
Classification: Uncertain significance for Autosomal dominant nonsyndromic hearing loss 22; Autosomal recessive nonsyndromic hearing loss 37. Last evaluated: 2021-10-08. Review status: criteria provided, single submitter. Criteria: ACMG Guidelines, 2015. Collection method: clinical testing. Allele origin: unknown.